The following is an entry in ClinVar:

NM_182961.4(SYNE1):c.2210T>C (p.Val737Ala)

Gene: SYNE1 (spectrin repeat containing nuclear envelope protein 1; minus strand). Cytogenetic location: 6q25.2.
Variant type: single nucleotide variant.
Coding change: c.2210T>C on transcript NM_182961.4 (MANE Select); coding-DNA position 2210, T replaced by C.
Protein change: p.Val737Ala; replaces valine 737 with alanine.
Molecular consequence: missense variant.
Genome position (GRCh38, 1-based): chr6:152,462,778, A>G on the plus strand (T>C on the coding strand, the complement: SYNE1 is on the minus strand). VCF-style: chr6-152462778-A-G. GRCh37 (hg19) VCF-style: chr6-152783913-A-G.
Other names: c.2231T>C (NM_033071.3); c.2231T>C, p.Val744Ala (NM_033071.5); short protein forms V737A, V744A.
Identifiers: ClinVar variation 289589 (VCV000289589.52), dbSNP rs746347703, ClinGen allele CA4059198.

ClinVar aggregate classification (germline): Uncertain significance. Review status: criteria provided, multiple submitters, no conflicts (2 of 4 stars). 4 submissions from 4 submitters: Uncertain significance (4). Last evaluated 2025-01-01.

Conditions:
Emery-Dreifuss muscular dystrophy 4, autosomal dominant (EDMD4). Also called: EMERY-DREIFUSS MUSCULAR DYSTROPHY 4 WITH VARIABLE FEATURES. Identifiers: Orphanet 261, MedGen C2751807, MONDO:0013071, OMIM 612998.
Autosomal recessive ataxia, Beauce type. Also called: SYNE1 Deficiency; SYNE1-Related Autosomal Recessive Cerebellar Ataxia; ATAXIA, RECESSIVE, OF BEAUCE; Spinocerebellar ataxia, autosomal recessive 8. Identifiers: Orphanet 88644, MedGen C1853116, MONDO:0012549, OMIM 610743.

Allele frequency attached by ClinVar (database versions not stated): ExAC 0.00002; gnomAD exomes 0.00003; TOPMed 0.00003; gnomAD 0.00008 and 0.00009.
gnomAD v4.1: 57 of 1,613,886 alleles (0.0035%); highest among the groups gnomAD compares: Non-Finnish European, 0.0044%; no homozygotes.

Submissions (4):

CeGaT Center for Human Genetics Tuebingen
Classification: Uncertain significance. Last evaluated: 2025-01-01. Review status: criteria provided, single submitter. Criteria: CeGaT Center For Human Genetics Tuebingen Variant Classification Criteria Version 2. Collection method: clinical testing. Allele origin: germline. Affected: yes. Observed: 2 variant alleles.
Comment: SYNE1: PM2

Labcorp Genetics (formerly Invitae), Labcorp
Classification: Uncertain significance for Emery-Dreifuss muscular dystrophy 4, autosomal dominant; Autosomal recessive ataxia, Beauce type. Last evaluated: 2022-08-09. Review status: criteria provided, single submitter. Criteria: Invitae Variant Classification Sherloc (09022015). Collection method: clinical testing. Allele origin: germline.
Comment: This sequence change replaces valine, which is neutral and non-polar, with alanine, which is neutral and non-polar, at codon 744 of the SYNE1 protein (p.Val744Ala). This variant is present in population databases (rs746347703, gnomAD 0.01%). This variant has not been reported in the literature in individuals affected with SYNE1-related conditions. ClinVar contains an entry for this variant (Variation ID: 289589). Algorithms developed to predict the effect of missense changes on protein structure and function are either unavailable or do not agree on the potential impact of this missense change (SIFT: "Deleterious"; PolyPhen-2: "Possibly Damaging"; Align-GVGD: "Class C0"). In summary, the available evidence is currently insufficient to determine the role of this variant in disease. Therefore, it has been classified as a Variant of Uncertain Significance.

Revvity Omics, Revvity
Classification: Uncertain significance. Last evaluated: 2019-11-19. Review status: criteria provided, single submitter. Criteria: ACMG Guidelines, 2015. Collection method: clinical testing. Allele origin: germline.

Eurofins Ntd Llc (ga)
Classification: Uncertain significance. Last evaluated: 2016-07-25. Review status: criteria provided, single submitter. Criteria: EGL Classification Definitions 2015. Collection method: clinical testing. Allele origin: germline. Observed: 2 variant alleles, 2 heterozygotes.